The following is an entry in ClinVar:

ClinVar aggregate classification (germline): Uncertain significance (1 of 4 stars; one submission).

Submission:

CeGaT Center for Human Genetics Tuebingen
Classification: Uncertain significance. Last evaluated: 2025-08-01. Review status: criteria provided, single submitter. Criteria: CeGaT Center For Human Genetics Tuebingen Variant Classification Criteria Version 2. Collection method: clinical testing. Allele origin: germline. Affected: yes. Observed: 1 variant allele.
Comment: FOXP2: PM2, PP2

NM_014491.4(FOXP2):c.1097A>G (p.His366Arg)

Gene: FOXP2 (forkhead box P2; plus strand). Cytogenetic location: 7q31.1.
Variant type: single nucleotide variant.
Coding change: c.1097A>G on transcript NM_014491.4 (MANE Select); coding-DNA position 1097, A replaced by G.
Protein change: p.His366Arg; replaces histidine 366 with arginine.
Molecular consequence: missense variant. On other transcripts: non-coding transcript variant (2).
Genome position (GRCh38, 1-based): chr7:114,652,205, A>G. VCF-style: chr7-114652205-A-G. GRCh37 (hg19) VCF-style: chr7-114292260-A-G.
Other names: c.1094A>G, p.His365Arg (NM_001172766.3); c.1172A>G, p.His391Arg (NM_001172767.2, NM_148898.4); c.1097A>G, p.His366Arg (NM_148899.3); c.1148A>G, p.His383Arg (NM_148900.4); short protein forms H365R, H366R, H383R, H391R.
Identifiers: ClinVar variation 4085836 (VCV004085836.8).